The following is an entry in ClinVar:

NM_006073.4(TRDN):c.1087G>A (p.Val363Ile)

Gene: TRDN (triadin; minus strand). Cytogenetic location: 6q22.31.
Variant type: single nucleotide variant.
Coding change: c.1087G>A on transcript NM_006073.4 (MANE Select); coding-DNA position 1087, G replaced by A.
Protein change: p.Val363Ile; replaces valine 363 with isoleucine.
Molecular consequence: missense variant.
Genome position (GRCh38, 1-based): chr6:123,393,642, C>T on the plus strand (G>A on the coding strand, the complement: TRDN is on the minus strand). VCF-style: chr6-123393642-C-T. GRCh37 (hg19) VCF-style: chr6-123714787-C-T.
Other names: c.1090G>A, p.Val364Ile (NM_001251987.2); c.1030G>A, p.Val344Ile (NM_001407315.1); c.1087G>A (NM_006073.2); short protein forms V344I, V363I, V364I.
Identifiers: ClinVar variation 1957435 (VCV001957435.7), dbSNP rs768926663, ClinGen allele CA3984134.

ClinVar aggregate classification (germline): Conflicting classifications of pathogenicity. Review status: criteria provided, conflicting classifications (1 of 4 stars). 2 submissions from 2 submitters: Uncertain significance (1); Likely benign (1). Last evaluated 2022-11-20.

Conditions:
Cardiovascular phenotype. Identifiers: MedGen CN230736.
Catecholaminergic polymorphic ventricular tachycardia 1. Also called: VENTRICULAR TACHYCARDIA, CATECHOLAMINERGIC POLYMORPHIC, 1, WITH OR WITHOUT ATRIAL DYSFUNCTION AND/OR DILATED CARDIOMYOPATHY; VENTRICULAR TACHYCARDIA, STRESS-INDUCED POLYMORPHIC 1; RYR2-Related Catecholaminergic Polymorphic Ventricular Tachycardia. Identifiers: Orphanet 3286, MedGen C1631597, MONDO:0011484, OMIM 604772.

Allele frequency attached by ClinVar (database versions not stated): TOPMed below 0.00001; gnomAD 0.00001; gnomAD exomes 0.00001; ExAC 0.00003.
gnomAD v4.1: 16 of 1,606,080 alleles (0.001%); highest among the groups gnomAD compares: Middle Eastern, 0.016%; no homozygotes.

Submissions (2):

Ambry Genetics
Classification: Likely benign for Cardiovascular phenotype. Last evaluated: 2022-11-20. Review status: criteria provided, single submitter. Criteria: Ambry Variant Classification Scheme 2023. Collection method: clinical testing. Allele origin: germline.

Labcorp Genetics (formerly Invitae), Labcorp
Classification: Uncertain significance for Catecholaminergic polymorphic ventricular tachycardia 1. Last evaluated: 2022-01-17. Review status: criteria provided, single submitter. Criteria: Invitae Variant Classification Sherloc (09022015). Collection method: clinical testing. Allele origin: germline.
Comment: In summary, the available evidence is currently insufficient to determine the role of this variant in disease. Therefore, it has been classified as a Variant of Uncertain Significance. Algorithms developed to predict the effect of missense changes on protein structure and function output the following: SIFT: "Tolerated"; PolyPhen-2: "Benign"; Align-GVGD: "Class C0". The isoleucine amino acid residue is found in multiple mammalian species, which suggests that this missense change does not adversely affect protein function. This variant has not been reported in the literature in individuals affected with TRDN-related conditions. The frequency data for this variant in the population databases is considered unreliable, as metrics indicate poor data quality at this position in the gnomAD database. This sequence change replaces valine, which is neutral and non-polar, with isoleucine, which is neutral and non-polar, at codon 363 of the TRDN protein (p.Val363Ile).